The following is an entry in ClinVar:

NM_000265.7(NCF1):c.348C>T (p.Asp116=)

Genes: NCF1 (neutrophil cytosolic factor 1; plus strand), LOC106029312 (Williams-Beuren syndrome medial block B recombination region; plus strand). Cytogenetic location: 7q11.23.
Variant type: single nucleotide variant.
Coding change: c.348C>T on transcript NM_000265.7 (MANE Select); coding-DNA position 348, C replaced by T.
Protein change: p.Asp116=; no amino-acid change (aspartic acid 116 retained).
Molecular consequence: synonymous variant.
Genome position (GRCh38, 1-based): chr7:74,779,375, C>T. VCF-style: chr7-74779375-C-T. GRCh37 (hg19) VCF-style: chr7-74193721-C-T.
Identifiers: ClinVar variation 4896287 (VCV004896287.2).

ClinVar aggregate classification (germline): Likely benign. Review status: criteria provided, multiple submitters, no conflicts (2 of 4 stars). 2 submissions from 2 submitters: Likely benign (2). Last evaluated 2026-08-01.

Submissions (2):

CeGaT Center for Human Genetics Tuebingen
Classification: Likely benign. Last evaluated: 2026-08-01. Review status: criteria provided, single submitter. Criteria: CeGaT Center For Human Genetics Tuebingen Variant Classification Criteria Version 2. Collection method: clinical testing. Allele origin: germline. Affected: yes. Observed: 1 variant allele.
Comment: NCF1: BP4, BP7

Blueprint Genetics
Classification: Likely benign. Last evaluated: 2023-12-26. Review status: criteria provided, single submitter. Criteria: ACMG Guidelines, 2015. Collection method: clinical testing. Allele origin: germline.